The following is an entry in ClinVar:

ClinVar aggregate classification (germline): Uncertain significance. Review status: criteria provided, multiple submitters, no conflicts (2 of 4 stars). 2 submissions from 2 submitters: Uncertain significance (2). Last evaluated 2025-12-10.

Allele frequency attached by ClinVar (database versions not stated): gnomAD 0.00001; gnomAD exomes 0.00002 and 0.00007; TOPMed 0.00004; ExAC 0.00013; 1000 Genomes Project 30x 0.00016; 1000 Genomes Project 0.00020.

Submissions (2):

Labcorp Genetics (formerly Invitae), Labcorp
Classification: Uncertain significance. Last evaluated: 2025-12-10. Review status: criteria provided, single submitter. Criteria: Invitae Variant Classification Sherloc (09022015). Collection method: clinical testing. Allele origin: germline.
Comment: This sequence change replaces glycine, which is neutral and non-polar, with serine, which is neutral and polar, at codon 399 of the EMC1 protein (p.Gly399Ser). This variant is present in population databases (rs200550982, gnomAD 0.03%). This variant has not been reported in the literature in individuals affected with EMC1-related conditions. ClinVar contains an entry for this variant (Variation ID: 1064283). Invitae Evidence Modeling of protein sequence and biophysical properties (such as structural, functional, and spatial information, amino acid conservation, physicochemical variation, residue mobility, and thermodynamic stability) indicates that this missense variant is not expected to disrupt EMC1 protein function with a negative predictive value of 80%. In summary, the available evidence is currently insufficient to determine the role of this variant in disease. Therefore, it has been classified as a Variant of Uncertain Significance.

Blueprint Genetics
Classification: Uncertain significance. Last evaluated: 2024-02-05. Review status: criteria provided, single submitter. Criteria: ACMG Guidelines, 2015. Collection method: clinical testing. Allele origin: germline.

NM_015047.3(EMC1):c.1195G>A (p.Gly399Ser)

Genes: EMC1 (ER membrane protein complex subunit 1; minus strand), EMC1-AS1 (EMC1 antisense RNA 1; plus strand). Cytogenetic location: 1p36.13.
Variant type: single nucleotide variant.
Coding change: c.1195G>A on transcript NM_015047.3 (MANE Select); coding-DNA position 1195, G replaced by A.
Protein change: p.Gly399Ser; replaces glycine 399 with serine.
Molecular consequence: missense variant.
Genome position (GRCh38, 1-based): chr1:19,238,034, C>T on the plus strand (G>A on the coding strand, the complement: EMC1 is on the minus strand). VCF-style: chr1-19238034-C-T. GRCh37 (hg19) VCF-style: chr1-19564528-C-T.
Other names: c.1192G>A, p.Gly398Ser (NM_001271427.2, NM_001375821.1); c.1195G>A, p.Gly399Ser (NM_001271428.2, NM_001375820.1); c.1129G>A, p.Gly377Ser (NM_001271429.2); short protein forms G377S, G398S, G399S.
Identifiers: ClinVar variation 1064283 (VCV001064283.8), dbSNP rs200550982, ClinGen allele CA652641.
Genomic context (GRCh38, chr1:19,238,034, plus strand): 5'-GAGAAGCCCACAGGACAGTCTGCAAAGAAAGGCTCTGCCTTACCCGCTCAGGCCGAGTGC[C>T]GCTCTGTTCCAGGCTAAATGTTATCGTGGTGTCCAGCAGCCGCCGACCTGTCTCCACGAG-3'
Protein context (NP_055862.1, residues 389-409): TTITFSLEQS[Gly399Ser]TRPERLYIQV